The following is an entry in ClinVar:

NM_000388.4(CASR):c.380A>C (p.Glu127Ala)

Gene: CASR (calcium sensing receptor; plus strand). Cytogenetic location: 3q21.1.
Variant type: single nucleotide variant.
Coding change: c.380A>C on transcript NM_000388.4 (MANE Select); coding-DNA position 380, A replaced by C.
Protein change: p.Glu127Ala; replaces glutamic acid 127 with alanine.
Molecular consequence: missense variant.
Genome position (GRCh38, 1-based): chr3:122,257,275, A>C. VCF-style: chr3-122257275-A-C. GRCh37 (hg19) VCF-style: chr3-121976122-A-C.
Other names: E128A; c.380A>C, p.Glu127Ala (NM_001178065.2); c.380A>C (NM_001178065.1); short protein forms E127A.
Identifiers: ClinVar variation 8315 (VCV000008315.14), dbSNP rs121909260, ClinGen allele CA119473.

ClinVar aggregate classification (germline): Pathogenic. Review status: criteria provided, multiple submitters, no conflicts (2 of 4 stars). 5 submissions from 5 submitters: Pathogenic (4). 1 of the submissions does not count toward it. Last evaluated 2026-02-25.

Conditions:
CASR-related disorder. Also called: CASR-related condition.
Familial hypocalciuric hypercalcemia (FHH). Also called: Familial benign hypercalcemia. Identifiers: Orphanet 405, MedGen C1809471, MONDO:0018458.
Autosomal dominant hypocalcemia 1 (HYPOC1). Also called: HYPOCALCEMIA, FAMILIAL. Identifiers: MedGen C3715128, MONDO:0011013, OMIM 601198.
Neonatal severe primary hyperparathyroidism. Identifiers: Orphanet 417, MedGen C1832615, MONDO:0009397, OMIM 239200.
Familial hypocalciuric hypercalcemia 1. Also called: Hypercalcemia, familial benign type 1. Identifiers: Orphanet 405, Orphanet 93372, MedGen C0342637, MONDO:0007791, OMIM 145980.
Epilepsy, idiopathic generalized, susceptibility to, 8. Identifiers: MedGen C2752062, MONDO:0013032, OMIM 612899.

Submissions (5):

PreventionGenetics, part of Exact Sciences
Classification: Pathogenic for CASR-related condition. Last evaluated: 2026-02-25. Review status: criteria provided, single submitter. Criteria: ACMG Guidelines, 2015. Collection method: clinical testing. Allele origin: germline.
Comment: The CASR c.380A>C variant is predicted to result in the amino acid substitution p.Glu127Ala. This variant has been reported to segregate with disease in a family with autosomal dominant hypocalcemia (described as p.Glu128Ala, Pollak et al. 1994. PubMed ID: 7874174). Functional studies indicate this variant results in a gain-of-function of the Ca-sensing receptor (Pollak et al. 1994. PubMed ID: 7874174; Bai et al. 1996. PubMed ID: 8702647). This variant has not been reported in a large population database (gnomAD), indicating this variant is rare. Alternate missense changes at the same amino acid position (p.Glu127Lys, p.Glu127Gly) have been reported in patients with CASR-related disorders (see for example: Lienhardt et al 2001. PubMed ID: 11701698; Hawkes CP et al 2020. PubMed ID: 33112267; Hannan et al 2012. PubMed ID: 22422767). The p.Glu127Ala variant is interpreted as pathogenic.

Labcorp Genetics (formerly Invitae), Labcorp
Classification: Pathogenic for Familial hypocalciuric hypercalcemia; Autosomal dominant hypocalcemia 1. Last evaluated: 2023-10-20. Review status: criteria provided, single submitter. Criteria: Invitae Variant Classification Sherloc (09022015). Collection method: clinical testing. Allele origin: germline.
Comment: This sequence change replaces glutamic acid, which is acidic and polar, with alanine, which is neutral and non-polar, at codon 127 of the CASR protein (p.Glu127Ala). This variant is not present in population databases (gnomAD no frequency). This missense change has been observed in individual(s) with autosomal dominant hypocalcemia (PMID: 7874174). It has also been observed to segregate with disease in related individuals. This variant is also known as Glu128Ala. ClinVar contains an entry for this variant (Variation ID: 8315). An algorithm developed to predict the effect of missense changes on protein structure and function (PolyPhen-2) suggests that this variant is likely to be disruptive. Experimental studies have shown that this missense change affects CASR function (PMID: 7874174, 8702647). For these reasons, this variant has been classified as Pathogenic.

Fulgent Genetics
Classification: Pathogenic for Familial hypocalciuric hypercalcemia 1; Neonatal severe primary hyperparathyroidism; Autosomal dominant hypocalcemia 1; Epilepsy, idiopathic generalized, susceptibility to, 8. Last evaluated: 2022-04-27. Review status: criteria provided, single submitter. Criteria: ACMG Guidelines, 2015. Collection method: clinical testing. Allele origin: unknown.

GeneDx
Classification: Pathogenic. Last evaluated: 2017-04-18. Review status: criteria provided, single submitter. Criteria: GeneDx Variant Classification (06012015). Collection method: clinical testing. Allele origin: germline. Affected: yes.
Comment: The E127A variant has been published previously in association with hypocalcaemia (Pollak et al., 1994). The variant is not observed in large population cohorts (Lek et al., 2016; 1000 Genomes Consortium et al., 2015; Exome Variant Server). E127A is a non-conservative amino acid substitution, which is likely to impact secondary protein structure as these residues differ in polarity, charge, size and/or other properties. This substitution occurs at a position that is conserved across species. Functional studies have shown E127A to be a gain-of-function variant (Pollak et al., 1994; Young et al., 2015). Missense variants in the same codon (E127K/G) and in nearby residues (L123S, N124K, L125F/P, F128L, C129S/R/F/S/Y, C131S/Y/F/W) have been reported in the Human Gene Mutation Database in association with CASR-related disorders (Stenson et al., 2014), supporting the functional importance of this region of the protein. In summary, we consider this variant to be pathogenic.

OMIM
Classification: Pathogenic for HYPOCALCEMIA, AUTOSOMAL DOMINANT 1. Last evaluated: 1994-11-01. Review status: no assertion criteria provided. Collection method: literature only. Allele origin: germline. Not counted in ClinVar's aggregate classification.

Literature cited by the submitters: PubMed 7874174 (cited by Labcorp Genetics (formerly Invitae), Labcorp and OMIM); PubMed 8702647 (cited by Labcorp Genetics (formerly Invitae), Labcorp).